The following is an entry in ClinVar:

NM_002907.4(RECQL):c.1879G>A (p.Ala627Thr)

Genes: PYROXD1 (pyridine nucleotide-disulphide oxidoreductase domain 1; plus strand), RECQL (RecQ like helicase; minus strand). Cytogenetic location: 12p12.1.
Variant type: single nucleotide variant.
Coding change: c.1879G>A on transcript NM_002907.4 (MANE Select); coding-DNA position 1879, G replaced by A.
Protein change: p.Ala627Thr; replaces alanine 627 with threonine.
Molecular consequence: missense variant. On other transcripts: 3 prime UTR variant (3).
Genome position (GRCh38, 1-based): chr12:21,470,265, C>T on the plus strand (G>A on the coding strand, the complement: RECQL is on the minus strand). VCF-style: chr12-21470265-C-T. GRCh37 (hg19) VCF-style: chr12-21623199-C-T.
Other names: c.1879G>A, p.Ala627Thr (NM_032941.3); c.*1511C>T (NM_001350912.2, NM_001350913.2, NM_024854.5); short protein forms A627T.
Identifiers: ClinVar variation 4576958 (VCV004576958.1).

ClinVar aggregate classification (germline): Uncertain significance (1 of 4 stars; one submission).

gnomAD v4.1: 1 of 1,608,872 alleles (0.000062%); no homozygotes.

Submission:

Ambry Genetics
Classification: Uncertain significance. Last evaluated: 2025-12-02. Review status: criteria provided, single submitter. Criteria: Ambry Variant Classification Scheme 2023. Collection method: clinical testing. Allele origin: germline.
Comment: The p.A627T variant (also known as c.1879G>A), located in coding exon 14 of the RECQL gene, results from a G to A substitution at nucleotide position 1879. The alanine at codon 627 is replaced by threonine, an amino acid with similar properties. This amino acid position is conserved. In addition, this alteration is predicted to be tolerated by in silico analysis. Based on the available evidence, the clinical significance of this variant remains unclear.